The following is an entry in ClinVar:

ClinVar aggregate classification (germline): Benign/Likely benign. Review status: criteria provided, multiple submitters, no conflicts (2 of 4 stars). 3 submissions from 3 submitters: Benign (1); Likely benign (1). 1 of the submissions does not count toward it. Last evaluated 2026-01-08.

Conditions:
CREB3L1-related disorder. Also called: CREB3L1-related condition.

Allele frequency attached by ClinVar (database versions not stated): ExAC 0.00058; ESP Exome Variant Server 0.00149; TOPMed 0.00224; gnomAD 0.00258; 1000 Genomes Project 30x 0.00344; 1000 Genomes Project 0.00359.
gnomAD v4.1: 681 of 1,612,778 alleles (0.042%); highest among the groups gnomAD compares: African/African-American, 0.74%; 2 homozygotes.

Submissions (3):

Labcorp Genetics (formerly Invitae), Labcorp
Classification: Likely benign. Last evaluated: 2026-01-08. Review status: criteria provided, single submitter. Criteria: Invitae Variant Classification Sherloc (09022015). Collection method: clinical testing. Allele origin: germline.

GeneDx
Classification: Benign. Last evaluated: 2020-04-23. Review status: criteria provided, single submitter. Criteria: GeneDx Variant Classification Process June 2021. Collection method: clinical testing. Allele origin: germline. Affected: yes.

PreventionGenetics, part of Exact Sciences
Classification: Benign for CREB3L1-related condition. Last evaluated: 2019-05-03. Review status: no assertion criteria provided. Collection method: clinical testing. Allele origin: germline. Not counted in ClinVar's aggregate classification.
Comment: This variant is classified as benign based on ACMG/AMP sequence variant interpretation guidelines (Richards et al. 2015 PMID: 25741868, with internal and published modifications).

NM_052854.4(CREB3L1):c.1333A>G (p.Met445Val)

Gene: CREB3L1 (cAMP responsive element binding protein 3 like 1; plus strand). Cytogenetic location: 11p11.2.
Variant type: single nucleotide variant.
Coding change: c.1333A>G on transcript NM_052854.4 (MANE Select); coding-DNA position 1333, A replaced by G.
Protein change: p.Met445Val; replaces methionine 445 with valine.
Molecular consequence: missense variant.
Genome position (GRCh38, 1-based): chr11:46,320,338, A>G. VCF-style: chr11-46320338-A-G. GRCh37 (hg19) VCF-style: chr11-46341889-A-G.
Other names: short protein forms M445V.
Identifiers: ClinVar variation 724255 (VCV000724255.13), dbSNP rs144263134, ClinGen allele CA5961858.